The following is an entry in ClinVar:

NM_021076.4(NEFH):c.894_905del (p.Asp298_Ser301del)

Gene: NEFH (neurofilament heavy chain; plus strand). Cytogenetic location: 22q12.2.
Variant type: Deletion.
Coding change: c.894_905del on transcript NM_021076.4 (MANE Select); coding-DNA positions 894 to 905, 12 bases deleted (CCGACTGTCGGA).
Protein change: p.Asp298_Ser301del.
Molecular consequence: inframe deletion.
Genome position (GRCh38, 1-based): chr22:29,483,385-29,483,396, CCGACTGTCGGA deleted; deleting any 12 consecutive bases within chr22:29,483,382-29,483,396 gives the same sequence; the c. name uses the placement nearest the transcript's 3' end. VCF-style (leftmost placement, unchanged base first): chr22-29483381-TGGACCGACTGTC-T. GRCh37 (hg19) VCF-style: chr22-29879370-TGGACCGACTGTC-T.
Identifiers: ClinVar variation 2870535 (VCV002870535.3), dbSNP rs1260916070, ClinGen allele CA752283700.

ClinVar aggregate classification (germline): Uncertain significance (1 of 4 stars; one submission).

Submission:

Labcorp Genetics (formerly Invitae), Labcorp
Classification: Uncertain significance. Last evaluated: 2025-04-17. Review status: criteria provided, single submitter. Criteria: Invitae Variant Classification Sherloc (09022015). Collection method: clinical testing. Allele origin: germline.
Comment: This variant, c.894_905del, results in the deletion of 4 amino acid(s) of the NEFH protein (p.Asp298_Ser301del), but otherwise preserves the integrity of the reading frame. This variant is not present in population databases (gnomAD no frequency). This variant has not been reported in the literature in individuals affected with NEFH-related conditions. ClinVar contains an entry for this variant (Variation ID: 2870535). Experimental studies and prediction algorithms are not available or were not evaluated, and the functional significance of this variant is currently unknown. In summary, the available evidence is currently insufficient to determine the role of this variant in disease. Therefore, it has been classified as a Variant of Uncertain Significance.